The following is an entry in ClinVar:

NM_000540.3(RYR1):c.13201G>A (p.Gly4401Arg)

Gene: RYR1 (ryanodine receptor 1; plus strand). Cytogenetic location: 19q13.2.
Variant type: single nucleotide variant.
Coding change: c.13201G>A on transcript NM_000540.3 (MANE Select); coding-DNA position 13201, G replaced by A.
Protein change: p.Gly4401Arg; replaces glycine 4401 with arginine.
Molecular consequence: missense variant.
Genome position (GRCh38, 1-based): chr19:38,565,535, G>A. VCF-style: chr19-38565535-G-A. GRCh37 (hg19) VCF-style: chr19-39056175-G-A.
Other names: c.13186G>A, p.Gly4396Arg (NM_001042723.2); c.13201G>A (NM_000540.2); short protein forms G4396R, G4401R.
Identifiers: ClinVar variation 1450238 (VCV001450238.9), dbSNP rs1183376732, ClinGen allele CA405674273.

ClinVar aggregate classification (germline): Uncertain significance. Review status: criteria provided, multiple submitters, no conflicts (2 of 4 stars). 3 submissions from 3 submitters: Uncertain significance (3). Last evaluated 2024-02-24.

Conditions:
Congenital multicore myopathy with external ophthalmoplegia (CMYO1B). Also called: MULTICORE MYOPATHY; Congenital myopathy 1B, autosomal recessive; Minicore myopathy; MULTIMINICORE DISEASE WITH EXTERNAL OPHTHALMOPLEGIA; Minicore myopathy with external ophthalmoplegia. Identifiers: Orphanet 598, Orphanet 98905, MedGen C1850674, MONDO:0009712, OMIM 255320, HP:0003789.
Malignant hyperthermia, susceptibility to, 1 (MHS1). Also called: RYR1-Related Malignant Hyperthermia Susceptibility; Malignant hyperthermia suceptibility 1; Anesthesia related hyperthermia; Malignant hyperpyrexia; Fulminating hyperpyrexia; Pharmacogenic myopathy. Identifiers: Orphanet 423, MedGen C2930980, MONDO:0007783, OMIM 145600.
Congenital myopathy with fiber type disproportion. Also called: Congenital fiber-type disproportion; Congenital fiber-type disproportion myopathy. Identifiers: Orphanet 2020, MedGen C0546264, MONDO:0009711. Inheritance: all.
Central core myopathy (CMYO1A). Also called: Central core disease; Myopathy, central fibrillar; CONGENITAL MYOPATHY 1A, AUTOSOMAL DOMINANT, WITH SUSCEPTIBILITY TO MALIGNANT HYPERTHERMIA. Identifiers: Orphanet 597, MedGen C5830701, MONDO:0007294, OMIM 117000.
King Denborough syndrome (KDS). Identifiers: MedGen C1840365, MONDO:0020485, OMIM 619542.
RYR1-related disorder. Also called: RYR1-related condition; RYR1-related disorders. Identifiers: MedGen CN239331.
Inborn genetic diseases. Identifiers: MedGen C0950123, MeSH D030342.

Allele frequency attached by ClinVar (database versions not stated): gnomAD exomes below 0.00001; TOPMed 0.00001.
gnomAD v4.1: 4 of 1,502,840 alleles (0.00027%); highest among the groups gnomAD compares: African/African-American, 0.0014%; no homozygotes.

Submissions (3):

Labcorp Genetics (formerly Invitae), Labcorp
Classification: Uncertain significance for RYR1-related disorder. Last evaluated: 2024-02-24. Review status: criteria provided, single submitter. Criteria: Invitae Variant Classification Sherloc (09022015). Collection method: clinical testing. Allele origin: germline.
Comment: This sequence change replaces glycine, which is neutral and non-polar, with arginine, which is basic and polar, at codon 4401 of the RYR1 protein (p.Gly4401Arg). This variant is not present in population databases (gnomAD no frequency). This variant has not been reported in the literature in individuals affected with RYR1-related conditions. ClinVar contains an entry for this variant (Variation ID: 1450238). Advanced modeling of protein sequence and biophysical properties (such as structural, functional, and spatial information, amino acid conservation, physicochemical variation, residue mobility, and thermodynamic stability) performed at Invitae indicates that this missense variant is not expected to disrupt RYR1 protein function with a negative predictive value of 95%. In summary, the available evidence is currently insufficient to determine the role of this variant in disease. Therefore, it has been classified as a Variant of Uncertain Significance.

Ambry Genetics
Classification: Uncertain significance for Inborn genetic diseases. Last evaluated: 2022-05-27. Review status: criteria provided, single submitter. Criteria: Ambry Variant Classification Scheme 2023. Collection method: clinical testing. Allele origin: germline.

Fulgent Genetics
Classification: Uncertain significance for Central core myopathy; Malignant hyperthermia, susceptibility to, 1; Congenital myopathy 4A, autosomal dominant; Congenital multicore myopathy with external ophthalmoplegia; King Denborough syndrome. Last evaluated: 2021-08-13. Review status: criteria provided, single submitter. Criteria: ACMG Guidelines, 2015. Collection method: clinical testing. Allele origin: unknown.